The following continues an entry in ClinVar:

NM_000218.3(KCNQ1):c.728G>A (p.Arg243His)

Gene: KCNQ1. ClinVar aggregate classification (germline): Pathogenic/Likely pathogenic. Pathogenic (6); Likely pathogenic (2).

Submissions 6 to 10 of 10:

Victorian Clinical Genetics Services, Murdoch Childrens Research Institute
Classification: Likely pathogenic for Long QT syndrome 1. Last evaluated: 2020-10-19. Review status: criteria provided, single submitter. Criteria: ACMG Guidelines, 2015. Collection method: clinical testing. Allele origin: germline.
Comment: Based on the classification scheme VCGS_Germline_v1.3.3, this variant is classified as likely pathogenic. Following criteria are met: 0103 - Dominant negative, loss of function and gain of function are known mechanisms of disease in this gene. Gain of function variants result exclusively in short QT syndrome (MIM#609621), while dominant negative and loss of function variants can cause long QT syndrome (LQTS, MIM#192500), atrial fibrillation (MIM#607554) and Jervell and Lange-Nielsen syndrome (JLNS, MIM#220400) (OMIM, PMIDs: 19632626, 28438721). (I) 0108 - This gene is known to be associated with both recessive and dominant disease. JLNS is characterized by congenital, bilateral deafness and variable degrees of QT prolongation, and is the only condition caused by biallelic variants (PMID: 28438721). (I) 0112 - The condition associated with this gene has incomplete penetrance (GeneReviews, OMIM). (I) 0200 - Variant is predicted to result in a missense amino acid change from arginine to histidine. (I) 0251 - This variant is heterozygous. (I) 0302 - Variant is present in gnomAD (v2) <0.001 for a dominant condition (2 heterozygotes, 0 homozygotes). (SP) 0309 - An alternative amino acid change at the same position has been observed in gnomAD (v2) (1 heterozygote, 0 homozygotes). (I) 0501 - Missense variant consistently predicted to be damaging by multiple in silico tools or highly conserved with a major amino acid change. (SP) 0600 - Variant is located in the annotated voltage sensor S4 domain (PDB). (I) 0703 – Other missense variants comparable to the one identified in this case have moderate previous evidence for pathogenicity. p.(Arg243Cys) has been reported in multiple LQTS patients (PMIDs: 19716085, 15840476) and has three pathogenic entries in ClinVar. p.(Arg243Ile) has been identified in one LQTS patient (PMID: 15234419). p.(Arg243Ser) has one VUS entry in ClinVar. (SP) 0802 - This variant has moderate previous evidence of pathogenicity in unrelated individuals. This variant has been identified in compound heterozygous or homozygous state in multiple JLNS patients and heterozygous carriers are reported to be asymptomatic (PMIDs: 29037160, 10728423, 11140949, 26022593). There is a single report of this variant in heterozygous state in a JLNS patient in whom the second variant was not yet determined (PMID: 10090886). Additionally, this variant has one VUS entry in ClinVar (clinical information is listed as arrhythmia). (SP) 1002 - This variant has moderate functional evidence supporting abnormal protein function. Functional evidence indicated that this variant has a dominant-negative effect, causing a right shift in the steady-state activation curve and leads to an increased deactivation rate (PMID: 11530100). (SP) 1208 - Inheritance information for this variant is not currently available in this individual. (I)

Laboratory for Molecular Medicine, Mass General Brigham Personalized Medicine
Classification: Likely pathogenic for Jervell and Lange-Nielsen syndrome. Last evaluated: 2019-03-18. Review status: criteria provided, single submitter. Criteria: ACMG Guidelines, 2015. Collection method: clinical testing. Allele origin: germline. Inheritance: Autosomal recessive inheritance.
Comment: Relatives who were heterozygous carriers of this variant were either clinically asymptomatic for LQTS or had a modestly prolonged QT interval (Larsen 1999, Ning 2003) suggesting reduced penetrance and variable expressivity. This variant has also been reported in one individual with long QT syndrome (LQTS; Kobori 2004, Itoh 2009). In vitro functional studies support an impact on protein function (Mohammad-Panah 1999, Chouabe 2000, Huang 2001, Itoh 2009. The p.Arg243His variant has been identified in 0.004% (1/24684) of African chromosomes and 0.003% (1/30584) of South Asian chromosomes by gnomAD and is present in ClinVar (Variation ID: 53092). Computational prediction tools and conservation analysis suggest that this variant may impact the protein. In summary, although additional studies are required to fully establish its clinical significance, this variant meets criteria to be classified as likely pathogenic for autosomal recessive JLNS (ACMG/AMP Criteria applied: PM2, PM3, PP3, PS3_Supporting), but its clinical significance in LQTS is uncertain (ACMG/AMP Criteria applied: PM2, PP3, PS3_Supporting).

Juno Genomics, Hangzhou Juno Genomics, Inc
Classification: Pathogenic for Long QT syndrome 1. Review status: criteria provided, single submitter. Criteria: ACMG Guidelines, 2015. Collection method: clinical testing. Allele origin: germline.
Comment: Novel missense change at an amino acid residue where a different missense change determined to be pathogenic has been seen before.;The prevalence of the variant in affected individuals is significantly increased compared to the prevalence in controls.;Co-segregation with disease in multiple affected family members.;For recessive disorders, detected in trans with a pathogenic variant.;Well-established in vitro or in vivo functional studies supportive of a damaging effect on the gene or gene product.

PreventionGenetics, part of Exact Sciences
Classification: Pathogenic for KCNQ1-related condition. Last evaluated: 2023-11-19. Review status: no assertion criteria provided. Collection method: clinical testing. Allele origin: germline. Not counted in ClinVar's aggregate classification.
Comment: The KCNQ1 c.728G>A variant is predicted to result in the amino acid substitution p.Arg243His. This variant was reported in the homozygous or compound heterozygous state with a second pathogenic KCNQ1 variant in at least three unrelated individuals with Jervell and Lange-Nielsen syndrome (Chouabe et al. 2000. PubMed ID: 10728423; Bostan et al. 2013. PubMed ID: 23400408; Kılıç et al. 2014. PubMed ID: 26022593). Of note, heterozygous carriers have been documented with a wide range of phenotypic variability, ranging from asymptomatic, borderline QTc interval, to a clinical diagnosis of long QT syndrome (Mohammad-Panah et al. 1999. PubMed ID: 10090886; Itoh et al. 2009. PubMed ID: 19843919; Bostan et al. 2013. PubMed ID: 23400408; Table S1, Schwartz et al. 2021. PubMed ID: 34505893; Saat et al. 2022. PubMed ID: 35703482). Functional studies support the pathogenicity of this variant (Chouabe et al. 2000. PubMed ID: 10728423; Huang et al. 2001. PubMed ID: 11530100; Park et al. 2005. PubMed ID: 15746441; Coyan et al. 2014. PubMed ID: 24681627). This variant is reported in 0.0041% of alleles in individuals of African descent in gnomAD. This variant is interpreted as pathogenic.

Cardiovascular Biomedical Research Unit, Royal Brompton & Harefield NHS Foundation Trust
No classification provided. Condition: Familial long QT syndrome. Review status: no classification provided. Collection method: literature only. Allele origin: germline. Not counted in ClinVar's aggregate classification.
Comment: This variant has been reported in the following publications (PMID:9482580;PMID:10090886;PMID:11530100;PMID:15028050;PMID:18174212;PMID:19843919;PMID:10728423;PMID:11140949;PMID:15935335;PMID:10409658;PMID:15746441).

Literature cited by the submitters: PubMed 10728423 (cited by 6 submitters); PubMed 23400408 (cited by 5 submitters); PubMed 26022593 (cited by 6 submitters); PubMed 10090886 (cited by 7 submitters); PubMed 11530100 (cited by 5 submitters); PubMed 15746441 (cited by 4 submitters); PubMed 15935335 (cited by 4 submitters); PubMed 19843919 (cited by 5 submitters); PubMed 24681627 (cited by Labcorp Genetics (formerly Invitae), Labcorp and Color Diagnostics, LLC DBA Color Health); PubMed 10973849 (cited by Labcorp Genetics (formerly Invitae), Labcorp); PubMed 12877697 (cited by Labcorp Genetics (formerly Invitae), Labcorp); PubMed 14678125 (cited by Labcorp Genetics (formerly Invitae), Labcorp); PubMed 15234419 (cited by Labcorp Genetics (formerly Invitae), Labcorp and Victorian Clinical Genetics Services, Murdoch Childrens Research Institute); PubMed 15466642 (cited by Labcorp Genetics (formerly Invitae), Labcorp); PubMed 15469540 (cited by Labcorp Genetics (formerly Invitae), Labcorp); PubMed 15840476 (cited by Labcorp Genetics (formerly Invitae), Labcorp and Victorian Clinical Genetics Services, Murdoch Childrens Research Institute); PubMed 17470695 (cited by Labcorp Genetics (formerly Invitae), Labcorp); PubMed 19716085 (cited by Labcorp Genetics (formerly Invitae), Labcorp and Victorian Clinical Genetics Services, Murdoch Childrens Research Institute); PubMed 19841300 (cited by Labcorp Genetics (formerly Invitae), Labcorp); PubMed 20167303 (cited by Labcorp Genetics (formerly Invitae), Labcorp); PubMed 15028050 (cited by 4 submitters); PubMed 34505893 (cited by Ambry Genetics); PubMed 35703482 (cited by Ambry Genetics); PubMed 29037160 (cited by Color Diagnostics, LLC DBA Color Health and Victorian Clinical Genetics Services, Murdoch Childrens Research Institute); PubMed 32893267 (cited by Color Diagnostics, LLC DBA Color Health); PubMed 10409658 (cited by 3billion and Cardiovascular Biomedical Research Unit, Royal Brompton & Harefield NHS Foundation Trust); PubMed 11140949 (cited by 3 submitters); PubMed 16922724 (cited by Victorian Clinical Genetics Services, Murdoch Childrens Research Institute); PubMed 19632626 (cited by Victorian Clinical Genetics Services, Murdoch Childrens Research Institute); PubMed 28438721 (cited by Victorian Clinical Genetics Services, Murdoch Childrens Research Institute); PubMed 9328483 (cited by Laboratory for Molecular Medicine, Mass General Brigham Personalized Medicine); PubMed 9482580 (cited by Cardiovascular Biomedical Research Unit, Royal Brompton & Harefield NHS Foundation Trust); PubMed 18174212 (cited by Cardiovascular Biomedical Research Unit, Royal Brompton & Harefield NHS Foundation Trust); PubMed 22581653 (cited by Cardiovascular Biomedical Research Unit, Royal Brompton & Harefield NHS Foundation Trust).